The following is an entry in ClinVar:

ClinVar aggregate classification (germline): Likely benign. Review status: criteria provided, multiple submitters, no conflicts (2 of 4 stars). 2 submissions from 2 submitters: Likely benign (2). Last evaluated 2018-06-16.

Allele frequency attached by ClinVar (database versions not stated): 1000 Genomes Project 30x 0.01359; 1000 Genomes Project 0.01398; gnomAD 0.01422 and 0.01530; TOPMed 0.01579.

Submissions (2):

GeneDx
Classification: Likely benign. Last evaluated: 2018-06-16. Review status: criteria provided, single submitter. Criteria: GeneDx Variant Classification (06012015). Collection method: clinical testing. Allele origin: germline. Affected: yes.
Comment: This variant is considered likely benign or benign based on one or more of the following criteria: it is a conservative change, it occurs at a poorly conserved position in the protein, it is predicted to be benign by multiple in silico algorithms, and/or has population frequency not consistent with disease.

Breakthrough Genomics
Classification: Likely benign. Review status: criteria provided, single submitter. Criteria: ACMG Guidelines, 2015. Collection method: not provided. Allele origin: germline. Inheritance: Autosomal dominant inheritance. Affected: yes.

NM_017617.5(NOTCH1):c.2740+187C>T

Gene: NOTCH1 (notch receptor 1; minus strand). Cytogenetic location: 9q34.3.
Variant type: single nucleotide variant.
Coding change: c.2740+187C>T on transcript NM_017617.5 (MANE Select); 187 bases into the intron after coding-DNA position 2740, C replaced by T.
Molecular consequence: intron variant.
Genome position (GRCh38, 1-based): chr9:136,510,466, G>A on the plus strand (C>T on the coding strand, the complement: NOTCH1 is on the minus strand). VCF-style: chr9-136510466-G-A. GRCh37 (hg19) VCF-style: chr9-139404918-G-A.
Identifiers: ClinVar variation 679435 (VCV000679435.2), dbSNP rs10117737, ClinGen allele CA201583288.